The following is an entry in ClinVar:

NM_000245.4(MET):c.2566A>T (p.Asn856Tyr)

Gene: MET (MET proto-oncogene, receptor tyrosine kinase; plus strand). Cytogenetic location: 7q31.2.
Variant type: single nucleotide variant.
Coding change: c.2566A>T on transcript NM_000245.4 (MANE Select); coding-DNA position 2566, A replaced by T.
Protein change: p.Asn856Tyr; replaces asparagine 856 with tyrosine.
Molecular consequence: missense variant.
Genome position (GRCh38, 1-based): chr7:116,763,251, A>T. VCF-style: chr7-116763251-A-T. GRCh37 (hg19) VCF-style: chr7-116403305-A-T.
Other names: c.2620A>T, p.Asn874Tyr (NM_001127500.3); c.2566A>T, p.Asn856Tyr (NM_001324401.3); c.1276A>T, p.Asn426Tyr (NM_001324402.2); short protein forms N426Y, N856Y, N874Y.
Identifiers: ClinVar variation 3371949 (VCV003371949.1).

ClinVar aggregate classification (germline): Uncertain significance (1 of 4 stars; one submission).

Submission:

GeneDx
Classification: Uncertain significance. Last evaluated: 2024-04-14. Review status: criteria provided, single submitter. Criteria: GeneDx Variant Classification Process June 2021. Collection method: clinical testing. Allele origin: germline. Affected: yes.
Comment: Not observed at significant frequency in large population cohorts (gnomAD); In silico analysis supports that this missense variant has a deleterious effect on protein structure/function; Has not been previously published as pathogenic or benign to our knowledge